The following is an entry in ClinVar:

NM_004385.5(VCAN):c.1951A>C (p.Thr651Pro)

Gene: VCAN (versican; plus strand). Cytogenetic location: 5q14.3.
Variant type: single nucleotide variant.
Coding change: c.1951A>C on transcript NM_004385.5 (MANE Select); coding-DNA position 1951, A replaced by C.
Protein change: p.Thr651Pro; replaces threonine 651 with proline.
Molecular consequence: missense variant. On other transcripts: intron variant (2).
Genome position (GRCh38, 1-based): chr5:83,520,257, A>C. VCF-style: chr5-83520257-A-C. GRCh37 (hg19) VCF-style: chr5-82816076-A-C.
Other names: c.1951A>C, p.Thr651Pro (NM_001164098.2); c.1042+7861A>C (NM_001164097.2, NM_001126336.3); short protein forms T651P.
Identifiers: ClinVar variation 939747 (VCV000939747.10), dbSNP rs141958435, ClinGen allele CA3332758.

ClinVar aggregate classification (germline): Conflicting classifications of pathogenicity. Review status: criteria provided, conflicting classifications (1 of 4 stars). 2 submissions from 2 submitters: Uncertain significance (1); Likely benign (1). Last evaluated 2025-06-12.

Allele frequency attached by ClinVar (database versions not stated): gnomAD 0.00004; gnomAD exomes 0.00006; TOPMed 0.00006; ExAC 0.00009.
gnomAD v4.1: 82 of 1,614,036 alleles (0.0051%); highest among the groups gnomAD compares: Middle Eastern, 0.017%; no homozygotes.

Submissions (2):

Labcorp Genetics (formerly Invitae), Labcorp
Classification: Uncertain significance. Last evaluated: 2025-06-12. Review status: criteria provided, single submitter. Criteria: Invitae Variant Classification Sherloc (09022015). Collection method: clinical testing. Allele origin: germline.
Comment: This sequence change replaces threonine, which is neutral and polar, with proline, which is neutral and non-polar, at codon 651 of the VCAN protein (p.Thr651Pro). This variant is present in population databases (rs141958435, gnomAD 0.01%). This variant has not been reported in the literature in individuals affected with VCAN-related conditions. ClinVar contains an entry for this variant (Variation ID: 939747). An algorithm developed to predict the effect of missense changes on protein structure and function (PolyPhen-2) suggests that this variant is likely to be disruptive. In summary, the available evidence is currently insufficient to determine the role of this variant in disease. Therefore, it has been classified as a Variant of Uncertain Significance.

Blueprint Genetics
Classification: Likely benign. Last evaluated: 2023-12-18. Review status: criteria provided, single submitter. Criteria: ACMG Guidelines, 2015. Collection method: clinical testing. Allele origin: germline.